The following continues an entry in ClinVar:

NM_000059.4(BRCA2):c.5542del (p.Ser1848fs)

Gene: BRCA2. ClinVar aggregate classification (germline): Pathogenic. Pathogenic (1).

Submissions 10 to 15 of 15:

Color Diagnostics, LLC DBA Color Health
Classification: Pathogenic for Hereditary cancer-predisposing syndrome. Last evaluated: 2022-11-01. Review status: criteria provided, single submitter. Criteria: ACMG Guidelines, 2015. Collection method: clinical testing. Allele origin: germline. Not counted in ClinVar's aggregate classification.
Comment: This variant deletes 1 nucleotide in exon 11 of the BRCA2 gene, creating a frameshift and premature translation stop signal. This variant is expected to result in an absent or non-functional protein product. This variant has been reported in individuals affected with breast cancer (PMID: 25186627, 25371446) and has been identified in 6 families among the CIMBA participants (PMID: 29446198). This variant has been identified in 1/248448 chromosomes in the general population by the Genome Aggregation Database (gnomAD). Loss of BRCA2 function is a known mechanism of disease. Based on the available evidence, this variant is classified as Pathogenic.

Women's Health and Genetics/Laboratory Corporation of America, LabCorp
Classification: Pathogenic for Hereditary breast and ovarian cancer syndrome. Last evaluated: 2019-08-12. Review status: criteria provided, single submitter. Criteria: LabCorp Variant Classification Summary - May 2015. Collection method: clinical testing. Allele origin: germline. Not counted in ClinVar's aggregate classification.
Comment: Variant summary: BRCA2 c.5542delA (p.Ser1848ValfsX15) results in a premature termination codon, predicted to cause a truncation of the encoded protein or absence of the protein due to nonsense mediated decay, which are commonly known mechanisms for disease. Truncations downstream of this position have been classified as pathogenic by our laboratory. The variant allele was found at a frequency of 4e-06 in 248448 control chromosomes. c.5542delA has been reported in the literature in multiple individuals of Mexican/Hispanic/Latino/Carribean ancestry affected with Hereditary Breast and Ovarian Cancer (example Torres-Mejia_2015, Tung_2014, Rebbeck_2018, Fernandez-Lopez_2019). These data indicate that the variant is very likely to be associated with disease. To our knowledge, no experimental evidence demonstrating an impact on protein function has been reported. Seven clinical diagnostic laboratories and one expert panel (ENIGMA) have submitted clinical-significance assessments for this variant to ClinVar after 2014 without evidence for independent evaluation. All laboratories classified the variant as pathogenic (n=6)/likely pathogenic (n=1). Based on the evidence outlined above, the variant was classified as pathogenic.

Consortium of Investigators of Modifiers of BRCA1/2 (CIMBA), c/o University of Cambridge
Classification: Pathogenic for Breast-ovarian cancer, familial, susceptibility to, 2. Last evaluated: 2015-10-02. Review status: criteria provided, single submitter. Criteria: CIMBA Mutation Classification guidelines May 2016. Collection method: clinical testing. Allele origin: germline. Not counted in ClinVar's aggregate classification.

Counsyl
Classification: Likely pathogenic for Breast-ovarian cancer, familial, susceptibility to, 2. Last evaluated: 2015-03-11. Review status: no assertion criteria provided. Collection method: clinical testing. Allele origin: unknown. Not counted in ClinVar's aggregate classification.

Sharing Clinical Reports Project (SCRP)
Classification: Pathogenic for Breast-ovarian cancer, familial 2. Last evaluated: 2012-10-22. Review status: no assertion criteria provided. Collection method: clinical testing. Allele origin: germline. Not counted in ClinVar's aggregate classification.

Breast Cancer Information Core (BIC) (BRCA2)
Classification: Pathogenic for Breast-ovarian cancer, familial 2. Last evaluated: 2002-06-20. Review status: no assertion criteria provided. Collection method: clinical testing. Allele origin: germline. Affected: yes. Observed: 2 variant alleles. Not counted in ClinVar's aggregate classification.

Literature cited by the submitters: PubMed 20104584 (cited by 3 submitters); PubMed 25371446 (cited by 8 submitters); PubMed 25186627 (cited by 5 submitters); PubMed 29446198 (cited by 5 submitters); PubMed 30630528 (cited by 4 submitters); PubMed 31869745 (cited by 3 submitters); PubMed 28888541 (cited by Quest Diagnostics Nichols Institute San Juan Capistrano); PubMed 28152038 (cited by Quest Diagnostics Nichols Institute San Juan Capistrano and Women's Health and Genetics/Laboratory Corporation of America, LabCorp); PubMed 29922827 (cited by Quest Diagnostics Nichols Institute San Juan Capistrano); PubMed 30720243 (cited by Quest Diagnostics Nichols Institute San Juan Capistrano); PubMed 34413315 (cited by Quest Diagnostics Nichols Institute San Juan Capistrano); PubMed 26295337 (cited by Quest Diagnostics Nichols Institute San Juan Capistrano).